The following is an entry in ClinVar:

NM_001164508.2(NEB):c.8344_8345delinsTT (p.Ala2782Phe)

Gene: NEB (nebulin; minus strand). Cytogenetic location: 2q23.3.
Variant type: Indel.
Coding change: c.8344_8345delinsTT on transcript NM_001164508.2 (MANE Select); coding-DNA positions 8344 to 8345, GC replaced by TT.
Protein change: p.Ala2782Phe; replaces alanine 2782 with phenylalanine.
Molecular consequence: missense variant.
Genome position (GRCh38, 1-based): chr2:151,642,602-151,642,603, GC replaced by AA on the plus strand (GC replaced by TT on the coding strand, the reverse complement: NEB is on the minus strand). VCF-style: chr2-151642602-GC-AA. GRCh37 (hg19) VCF-style: chr2-152499116-GC-AA.
Other names: c.8344_8345delinsTT, p.Ala2782Phe (NM_001164507.2, NM_001271208.2, NM_004543.5); short protein forms A2782F.
Identifiers: ClinVar variation 2168408 (VCV002168408.4), dbSNP rs2552246515, ClinGen allele CA2580064052.
Genomic context (GRCh38, chr2:151,642,602, plus strand): 5'-GCTAAGGCAAATAACTTTCCAAGTATACTTACTTCACTTGCAATATCTCTGGAGGCCTTG[GC>AA]TGCCTTGATAGGAATGGCATCTACCCGCATGTCATAACCTTTCCTCTTGGCTTCTTCTAG-3'
Protein context (NP_001157980.2, residues 2772-2792): MRVDAIPIKA[Ala2782Phe]KASRDIASEF

ClinVar aggregate classification (germline): Uncertain significance (1 of 4 stars; one submission).

Conditions:
Nemaline myopathy 2 (NEM2). Also called: Nemaline myopathy 2, autosomal recessive. Identifiers: MedGen C1850569, MONDO:0009725, OMIM 256030.

Submission:

Labcorp Genetics (formerly Invitae), Labcorp
Classification: Uncertain significance for Nemaline myopathy 2. Last evaluated: 2022-04-18. Review status: criteria provided, single submitter. Criteria: Invitae Variant Classification Sherloc (09022015). Collection method: clinical testing. Allele origin: germline.
Comment: Experimental studies and prediction algorithms are not available or were not evaluated, and the functional significance of this variant is currently unknown. This sequence change replaces alanine, which is neutral and non-polar, with phenylalanine, which is neutral and non-polar, at codon 2782 of the NEB protein (p.Ala2782Phe). Information on the frequency of this variant in the gnomAD database is not available, as this variant may be reported differently in the database. This variant has not been reported in the literature in individuals affected with NEB-related conditions. In summary, the available evidence is currently insufficient to determine the role of this variant in disease. Therefore, it has been classified as a Variant of Uncertain Significance.